The following is an entry in ClinVar:

ClinVar aggregate classification (germline): Uncertain significance (1 of 4 stars; one submission).

Submission:

GeneDx
Classification: Uncertain significance. Last evaluated: 2024-06-18. Review status: criteria provided, single submitter. Criteria: GeneDx Variant Classification Process June 2021. Collection method: clinical testing. Allele origin: germline. Affected: yes.
Comment: Not observed at significant frequency in large population cohorts (gnomAD); In silico analysis supports that this missense variant has a deleterious effect on protein structure/function; Has not been previously published as pathogenic or benign to our knowledge

NM_001195263.2(PDZD7):c.710A>T (p.Tyr237Phe)

Gene: PDZD7 (PDZ domain containing 7; minus strand). Cytogenetic location: 10q24.31.
Variant type: single nucleotide variant.
Coding change: c.710A>T on transcript NM_001195263.2 (MANE Select); coding-DNA position 710, A replaced by T.
Protein change: p.Tyr237Phe; replaces tyrosine 237 with phenylalanine.
Molecular consequence: missense variant.
Genome position (GRCh38, 1-based): chr10:101,022,218, T>A on the plus strand (A>T on the coding strand, the complement: PDZD7 is on the minus strand). VCF-style: chr10-101022218-T-A. GRCh37 (hg19) VCF-style: chr10-102781975-T-A.
Other names: c.710A>T, p.Tyr237Phe (NM_001351044.2, NM_024895.5); short protein forms Y237F.
Identifiers: ClinVar variation 3391652 (VCV003391652.1).